The following is an entry in ClinVar:

ClinVar aggregate classification (germline): Likely benign (0 of 4 stars; one submission).

Conditions:
NCOA1-related disorder. Also called: NCOA1-related condition.

Allele frequency attached by ClinVar (database versions not stated): gnomAD exomes below 0.00001.
gnomAD v4.1: 5 of 1,614,186 alleles (0.00031%); highest among the groups gnomAD compares: Non-Finnish European, 0.00042%; no homozygotes.

Submission:

PreventionGenetics, part of Exact Sciences
Classification: Likely benign for NCOA1-related condition. Last evaluated: 2021-12-07. Review status: no assertion criteria provided. Collection method: clinical testing. Allele origin: germline.
Comment: This variant is classified as likely benign based on ACMG/AMP sequence variant interpretation guidelines (Richards et al. 2015 PMID: 25741868, with internal and published modifications).

NM_003743.5(NCOA1):c.1542A>G (p.Thr514=)

Gene: NCOA1 (nuclear receptor coactivator 1; plus strand). Cytogenetic location: 2p23.3.
Variant type: single nucleotide variant.
Coding change: c.1542A>G on transcript NM_003743.5 (MANE Select); coding-DNA position 1542, A replaced by G.
Protein change: p.Thr514=; no amino-acid change (threonine 514 retained).
Molecular consequence: synonymous variant.
Genome position (GRCh38, 1-based): chr2:24,707,012, A>G. VCF-style: chr2-24707012-A-G. GRCh37 (hg19) VCF-style: chr2-24929881-A-G.
Other names: c.1542A>G, p.Thr514= (NM_001362950.1, NM_001362952.1, NM_001362954.1 and 3 more transcripts).
Identifiers: ClinVar variation 3029179 (VCV003029179.2), dbSNP rs1673480629, ClinGen allele CA425350880.